The following continues an entry in ClinVar:

NM_007194.4(CHEK2):c.444+1G>A

Gene: CHEK2. ClinVar aggregate classification (germline): Pathogenic/Likely pathogenic. Pathogenic (51); Likely pathogenic (2).

Submissions 49 to 69 of 72:

Human Genome Sequencing Center Clinical Lab, Baylor College of Medicine
Classification: Pathogenic for Familial cancer of breast. Last evaluated: 2017-05-25. Review status: criteria provided, single submitter. Criteria: ACMG Guidelines, 2015. Collection method: clinical testing. Allele origin: germline.
Comment: This c.444+1G>A variant in the CHEK2 gene has been reported in patients with breast cancer [PMID 21876083, 27616075, 26822949, 24713400 referred as IVS2+1G>A]. This variant was also reported in a cohort of patients with thyroid cancer [PMID 25583358], prostate cancer [PMID 12533788] and multiple types of cancer [PMID 15492928]. This variant was also detected in one patient with breast cancer who was compound heterozygous for this c.444+1G>A variant and the p.I157T pathogenic variant [PMID 2471340]. This variant affects the invariant donor splice site of intron 3 of the CHEK2 gene. While not validated for clinical use, computer-based algorithms predict this c.444+1G>A change to disrupt this splicing site. This variant was detected in 14 heterozygous individuals within the ExAC database. This variant is classified as pathogenic.

Genetic Services Laboratory, University of Chicago
Classification: Pathogenic for {Breast cancer, susceptibility to}. Last evaluated: 2016-09-29. Review status: criteria provided, single submitter. Criteria: ACMG Guidelines, 2015. Collection method: clinical testing. Allele origin: germline. Affected: yes.

University of Washington Department of Laboratory Medicine, University of Washington
Classification: Pathogenic for Breast and colorectal cancer, susceptibility to. Last evaluated: 2015-11-20. Review status: criteria provided, single submitter. Criteria: Shirts et al. (Genet Med 2016). Collection method: clinical testing. Allele origin: germline. Affected: yes. Observed: 1 variant allele.

Genesis Genomics
Classification: Pathogenic for CHEK2-related cancer predisposition. Review status: criteria provided, single submitter. Criteria: ACMG Guidelines, 2015. Collection method: clinical testing. Allele origin: germline. Affected: yes. Observed: 1 variant allele.

Rady Children's Institute for Genomic Medicine, Rady Children's Hospital San Diego
Classification: Pathogenic for CHEK2-related cancer predisposition. Review status: criteria provided, single submitter. Criteria: ACMG Guidelines, 2015. Collection method: clinical testing. Allele origin: germline. Affected: yes.
Comment: This variant is also referred to as IVS2+1G>A in the literature. The c.573+1G>A variant affects the canonical splice donor site of intron 4 and is therefore predicted to interfere with splicing and result in loss of normal protein function through either protein truncation or nonsense-mediated mRNA decay (NMD). This variant has been previously reported as a heterozygous change in patients with familial prostate cancer and breast cancer with odds ratios for familial prostate cancer of up to 12.1 and breast cancer of 3.0 (PMID: 12533788, 15492928, 21876083, 24713400, 25583358). This variant has also been associated with increased risk of other cancers including colon, thyroid and ovarian cancer and polycythemia vera (PMID: 15492928, 26084796, 26681312, 30322717). RNA analysis of cell lines derived from patient cells demonstrated that this variant results in reduced protein levels and use of another splice donor site, leading to frameshift and creation of a premature termination codon (PMID: 12533788). It is present in the heterozygous state in the gnomAD population database at a frequency of .014% (40/282678) and thus is presumed to be rare. Multiple splice prediction tools suggest this variant is likely to interfere with normal splicing. Based on the available evidence, the c.573+1G>A variant is classified as Pathogenic.

CZECANCA consortium
Classification: Pathogenic for Endometrial carcinoma. Last evaluated: 2023-02-21. Review status: no assertion criteria provided. Collection method: clinical testing. Allele origin: germline. Affected: yes. Observed: 2 variant alleles. Not counted in ClinVar's aggregate classification.

BRCAlab, Lund University
Classification: Pathogenic for Familial cancer of breast. Last evaluated: 2022-08-26. Review status: no assertion criteria provided. Collection method: clinical testing. Allele origin: germline. Affected: yes. Not counted in ClinVar's aggregate classification.

Medical Genetics Laboratory, Umraniye Training and Research Hospital, University of Health Sciences
Classification: Pathogenic for Breast carcinoma. Last evaluated: 2021-08-09. Review status: no assertion criteria provided. Collection method: clinical testing. Allele origin: germline. Affected: yes. Observed: 1 variant allele, 1 heterozygote. Not counted in ClinVar's aggregate classification.

King Laboratory, University of Washington
Classification: Pathogenic for Familial cancer of breast; Li-Fraumeni syndrome 2. Last evaluated: 2019-09-01. Review status: no assertion criteria provided. Collection method: research. Allele origin: germline. Affected: yes. Not counted in ClinVar's aggregate classification.
Comment: Transcript analysis by cBROCA

CZECANCA consortium
Classification: Pathogenic for Breast and/or ovarian cancer. Last evaluated: 2019-06-11. Review status: no assertion criteria provided. Collection method: clinical testing. Allele origin: germline. Affected: yes. Observed: 1 variant allele. Not counted in ClinVar's aggregate classification.

Counsyl
Classification: Likely pathogenic for Familial cancer of breast. Last evaluated: 2016-01-24. Review status: no assertion criteria provided. Collection method: clinical testing. Allele origin: unknown. Not counted in ClinVar's aggregate classification.

OMIM
Classification: Pathogenic for TUMOR PREDISPOSITION SYNDROME 4, BREAST/PROSTATE. Last evaluated: 2006-11-01. Review status: no assertion criteria provided. Collection method: literature only. Allele origin: germline. Not counted in ClinVar's aggregate classification.

Clinical Genetics Laboratory, Department of Pathology, Netherlands Cancer Institute
Classification: Pathogenic. Review status: no assertion criteria provided. Collection method: clinical testing. Allele origin: germline. Affected: yes. Study: VKGL Data-share Consensus. Not counted in ClinVar's aggregate classification.

Department of Pathology and Laboratory Medicine, Sinai Health System
Classification: Pathogenic for Malignant tumor of breast. Review status: no assertion criteria provided. Collection method: clinical testing. Allele origin: unknown. Affected: yes. Study: The Canadian Open Genetics Repository (COGR). Not counted in ClinVar's aggregate classification.
Comment: The CHEK2 c.444+1G>A variant was identified in 179 of 121122 proband chromosomes (frequency: 0.002) from individuals or families with ascertained in studies of various cancers and was present in 23 of 11230 control chromosomes (frequency: 0.002) from healthy individuals (Bak 2014, Cybulski 2004, Cybulski 2011, Dong 2003, Havranek 2015, Janiszewska 2016, Leedom 2016, Sioek 2015, Yurgelun 2015). The variant was also identified in dbSNP (ID: rs121908698) as With Pathogenic allele, and ClinVar (classified as pathogenic by GeneDx, Ambry Genetics, Invitae, Color Genomics and two clinical laboratories; classified as likely benign by Counsyl). The variant was not identified in Zhejiang Colon Cancer Database. The variant was identified in control databases in 39 of 277022 chromosomes at a frequency of 0.0001 (Genome Aggregation Database Feb 27, 2017). The variant was identified in the following populations: Other in 3 of 6464 chromosomes (freq: 0.001), European Non-Finnish in 24 of 126516 chromosomes (freq: 0.0002), European Finnish in 12 of 25792 chromosomes (freq: 0.001), while the variant was not observed in the African, Latino, Ashkenazi Jewish, East Asian, and South Asian populations. The c.444+1G>A variant is predicted to cause abnormal splicing because the nucleotide substitution occurs in the invariant region of the splice consensus sequence. The c.444+1G>A variant was shown to results in a 4-bp insertion due to an abnormal splicing, using an alternative splice donor site in intron 2. This variant eliminates part of forkhead-homology associated domain and the entire kinase activation domain of CHEK2 (Dong 2003, Havranek 2015). In summary, based on the above information, this variant meets our laboratoryâ€šÃ„Ã´s criteria to be classified as pathogenic.

Diagnostic Laboratory, Department of Genetics, University Medical Center Groningen
Classification: Pathogenic. Review status: no assertion criteria provided. Collection method: clinical testing. Allele origin: germline. Affected: yes. Study: VKGL Data-share Consensus. Not counted in ClinVar's aggregate classification.

Dr. Peter K. Rogan Lab, Western University
No classification provided (evidence only). Condition: Malignant tumor of urinary bladder. Review status: no classification provided. Collection method: in vitro. Allele origin: not applicable. Functional consequence: retained intron. Not counted in ClinVar's aggregate classification.

Dr. Peter K. Rogan Lab, Western University
No classification provided (evidence only). Condition: Melanoma. Review status: no classification provided. Collection method: in vitro. Allele origin: not applicable. Functional consequence: retained intron. Not counted in ClinVar's aggregate classification.

Dr. Peter K. Rogan Lab, Western University
No classification provided (evidence only). Condition: Melanoma. Review status: no classification provided. Collection method: in vitro. Allele origin: not applicable. Functional consequence: retained intron. Not counted in ClinVar's aggregate classification.

Dr. Peter K. Rogan Lab, Western University
No classification provided (evidence only). Condition: Familial cancer of breast. Review status: no classification provided. Collection method: in vitro. Allele origin: not applicable. Functional consequence: retained intron. Not counted in ClinVar's aggregate classification.

Dr. Peter K. Rogan Lab, Western University
No classification provided (evidence only). Condition: Familial cancer of breast. Review status: no classification provided. Collection method: in vitro. Allele origin: not applicable. Functional consequence: retained intron. Not counted in ClinVar's aggregate classification.

Genome Diagnostics Laboratory, Amsterdam University Medical Center
Classification: Pathogenic. Review status: no assertion criteria provided. Collection method: clinical testing. Allele origin: germline. Affected: yes. Study: VKGL Data-share Consensus. Not counted in ClinVar's aggregate classification.